The following is an entry in ClinVar:

ClinVar aggregate classification (germline): Likely benign (1 of 4 stars; one submission).

gnomAD v4.1: 25 of 1,231,692 alleles (0.002%); highest among the groups gnomAD compares: Admixed American, 0.013%; no homozygotes.

Submission:

CeGaT Center for Human Genetics Tuebingen
Classification: Likely benign. Last evaluated: 2024-09-01. Review status: criteria provided, single submitter. Criteria: CeGaT Center For Human Genetics Tuebingen Variant Classification Criteria Version 2. Collection method: clinical testing. Allele origin: germline. Affected: yes. Observed: 1 variant allele.
Comment: RP1: BP4, BP7

NM_001375654.1(RP1):c.3684C>T (p.Gly1228=)

Gene: RP1 (RP1 axonemal microtubule associated; plus strand). Cytogenetic location: 8q12.1.
Variant type: single nucleotide variant.
Coding change: c.3684C>T on transcript NM_001375654.1; coding-DNA position 3684, C replaced by T.
Protein change: p.Gly1228=; no amino-acid change (glycine 1228 retained).
Molecular consequence: synonymous variant.
Genome position (GRCh38, 1-based): chr8:54,837,617, C>T. VCF-style: chr8-54837617-C-T. GRCh37 (hg19) VCF-style: chr8-55750177-C-T.
Identifiers: ClinVar variation 3388974 (VCV003388974.14).